The following is an entry in ClinVar:

ClinVar aggregate classification (germline): Uncertain significance (1 of 4 stars; one submission).

Submission:

GeneDx
Classification: Uncertain significance. Last evaluated: 2023-01-18. Review status: criteria provided, single submitter. Criteria: GeneDx Variant Classification Process June 2021. Collection method: clinical testing. Allele origin: germline. Affected: yes.
Comment: Not observed at significant frequency in large population cohorts (gnomAD); In silico analysis supports that this missense variant has a deleterious effect on protein structure/function; Has not been previously published as pathogenic or benign to our knowledge

NM_002448.3(MSX1):c.682A>G (p.Lys228Glu)

Gene: MSX1 (msh homeobox 1; plus strand). Cytogenetic location: 4p16.2.
Variant type: single nucleotide variant.
Coding change: c.682A>G on transcript NM_002448.3 (MANE Select); coding-DNA position 682, A replaced by G.
Protein change: p.Lys228Glu; replaces lysine 228 with glutamic acid.
Molecular consequence: missense variant.
Genome position (GRCh38, 1-based): chr4:4,862,913, A>G. VCF-style: chr4-4862913-A-G. GRCh37 (hg19) VCF-style: chr4-4864640-A-G.
Other names: short protein forms K228E.
Identifiers: ClinVar variation 2574296 (VCV002574296.1), dbSNP rs2474114114, ClinGen allele CA356138631.